The following is an entry in ClinVar:

ClinVar aggregate classification (germline): Benign/Likely benign. Review status: criteria provided, multiple submitters, no conflicts (2 of 4 stars). 10 submissions from 10 submitters: Benign (6); Likely benign (2). 2 of the submissions do not count toward it. Last evaluated 2026-02-02.

Conditions:
Cardiovascular phenotype. Identifiers: MedGen CN230736.
Long QT syndrome (LQTS). Identifiers: MedGen C0023976, MeSH D008133, MONDO:0002442. Disease mechanism: loss of function. Inheritance: Various modes of inheritance.
Primary dilated cardiomyopathy (DCM). Also called: Dilated Cardiomyopathy. Identifiers: Orphanet 217604, MedGen C0007193, MeSH D002311, MONDO:0005021, HP:0001644. Inheritance: Various modes of inheritance.
Long QT syndrome 12 (LQT12). Identifiers: Orphanet 101016, Orphanet 768, MedGen C2751830, MONDO:0013062, OMIM 612955.

Allele frequency attached by ClinVar (database versions not stated): ESP Exome Variant Server 0.00815; 1000 Genomes Project 0.00819; gnomAD 0.00847 and 0.00904; TOPMed 0.00900; 1000 Genomes Project 30x 0.00999; gnomAD exomes 0.00291 and 0.00125; ExAC 0.00323.

Submissions (10):

Labcorp Genetics (formerly Invitae), Labcorp
Classification: Benign for Long QT syndrome. Last evaluated: 2026-02-02. Review status: criteria provided, single submitter. Criteria: Invitae Variant Classification Sherloc (09022015). Collection method: clinical testing. Allele origin: germline.

ARUP Laboratories, Molecular Genetics and Genomics, ARUP Laboratories
Classification: Benign. Last evaluated: 2018-03-20. Review status: criteria provided, single submitter. Criteria: ARUP Molecular Germline Variant Investigation Process. Collection method: clinical testing. Allele origin: germline.

Center for Advanced Laboratory Medicine, UC San Diego Health, University of California San Diego
Classification: Benign for Dilated cardiomyopathy. Last evaluated: 2017-08-21. Review status: criteria provided, single submitter. Criteria: ACMG Guidelines, 2015. Collection method: clinical testing. Allele origin: germline. Affected: yes. Observed: 1 variant allele.

Illumina Laboratory Services, Illumina
Classification: Likely benign for Long QT syndrome 12. Last evaluated: 2017-04-27. Review status: criteria provided, single submitter. Criteria: ICSL Variant Classification Criteria 13 December 2019. Collection method: clinical testing. Allele origin: germline.
Comment: This variant was observed as part of a predisposition screen in an ostensibly healthy population. A literature search was performed for the gene, cDNA change, and amino acid change (where applicable). No publications were found based on this search. Allele frequency data from public databases allowed determination this variant is unlikely to cause disease. Therefore, this variant is classified as likely benign.

Ambry Genetics
Classification: Benign for Cardiovascular phenotype. Last evaluated: 2015-08-10. Review status: criteria provided, single submitter. Criteria: Ambry Variant Classification Scheme 2023. Collection method: clinical testing. Allele origin: germline.

GeneDx
Classification: Benign. Last evaluated: 2015-03-03. Review status: criteria provided, single submitter. Criteria: GeneDx Variant Classification Process June 2021. Collection method: clinical testing. Allele origin: germline. Affected: yes.

Biesecker Lab/Clinical Genomics Section, National Institutes of Health
Classification: Benign. Last evaluated: 2013-06-24. Review status: criteria provided, single submitter. Criteria: Ng et al. (Circ Cardiovasc Genet. 2013). Collection method: research. Allele origin: unknown. Observed: 1 variant allele. Study: ClinSeq.
Comment: The study set was not selected for affection status in relation to any cancer. Pathogenicity categories were based on literature curation. See Pubmed ID:23861362 for details.

Medical sequencing

Breakthrough Genomics
Classification: Likely benign. Review status: criteria provided, single submitter. Criteria: ACMG Guidelines, 2015. Collection method: not provided. Allele origin: germline. Inheritance: Autosomal dominant inheritance. Affected: yes.

Clinical Genetics DNA and cytogenetics Diagnostics Lab, Erasmus MC, Erasmus Medical Center
Classification: Benign. Review status: no assertion criteria provided. Collection method: clinical testing. Allele origin: germline. Affected: yes. Study: VKGL Data-share Consensus. Not counted in ClinVar's aggregate classification.

Clinical Genetics, Academic Medical Center
Classification: Benign. Review status: no assertion criteria provided. Collection method: clinical testing. Allele origin: germline. Affected: yes. Study: VKGL Data-share Consensus. Not counted in ClinVar's aggregate classification.

NM_003098.3(SNTA1):c.317G>A (p.Arg106Gln)

Gene: SNTA1 (syntrophin alpha 1; minus strand). Cytogenetic location: 20q11.21.
Variant type: single nucleotide variant.
Coding change: c.317G>A on transcript NM_003098.3 (MANE Select); coding-DNA position 317, G replaced by A.
Protein change: p.Arg106Gln; replaces arginine 106 with glutamine.
Molecular consequence: missense variant.
Genome position (GRCh38, 1-based): chr20:33,439,020, C>T on the plus strand (G>A on the coding strand, the complement: SNTA1 is on the minus strand). VCF-style: chr20-33439020-C-T. GRCh37 (hg19) VCF-style: chr20-32026826-C-T.
Other names: short protein forms R106Q.
Identifiers: ClinVar variation 191576 (VCV000191576.31), dbSNP rs75025585, ClinGen allele CA199980.